The following is an entry in ClinVar:

NM_003620.4(PPM1D):c.1141A>T (p.Asn381Tyr)

Gene: PPM1D (protein phosphatase, Mg2+/Mn2+ dependent 1D; plus strand). Cytogenetic location: 17q23.2.
Variant type: single nucleotide variant.
Coding change: c.1141A>T on transcript NM_003620.4 (MANE Select); coding-DNA position 1141, A replaced by T.
Protein change: p.Asn381Tyr; replaces asparagine 381 with tyrosine.
Molecular consequence: missense variant.
Genome position (GRCh38, 1-based): chr17:60,656,722, A>T. VCF-style: chr17-60656722-A-T. GRCh37 (hg19) VCF-style: chr17-58734083-A-T.
Other names: short protein forms N381Y.
Identifiers: ClinVar variation 697659 (VCV000697659.13), dbSNP rs200854056, ClinGen allele CA8687677.

ClinVar aggregate classification (germline): Likely benign. Review status: criteria provided, multiple submitters, no conflicts (2 of 4 stars). 2 submissions from 2 submitters: Likely benign (2). Last evaluated 2025-12-01.

Allele frequency attached by ClinVar (database versions not stated): gnomAD 0.00001; gnomAD exomes 0.00007 and 0.00037; TOPMed 0.00011; 1000 Genomes Project 0.00020; ExAC 0.00030; 1000 Genomes Project 30x 0.00031.
gnomAD v4.1: 103 of 1,614,220 alleles (0.0064%); highest among the groups gnomAD compares: Admixed American, 0.17%; no homozygotes.

Submissions (2):

CeGaT Center for Human Genetics Tuebingen
Classification: Likely benign. Last evaluated: 2025-12-01. Review status: criteria provided, single submitter. Criteria: CeGaT Center For Human Genetics Tuebingen Variant Classification Criteria Version 2. Collection method: clinical testing. Allele origin: germline. Affected: yes. Observed: 1 variant allele.
Comment: PPM1D: BP4, BS1

Labcorp Genetics (formerly Invitae), Labcorp
Classification: Likely benign. Last evaluated: 2025-08-15. Review status: criteria provided, single submitter. Criteria: Invitae Variant Classification Sherloc (09022015). Collection method: clinical testing. Allele origin: germline.